The following is an entry in ClinVar:

ClinVar aggregate classification (germline): Pathogenic. Review status: criteria provided, multiple submitters, no conflicts (2 of 4 stars). 2 submissions from 2 submitters: Pathogenic (2). Last evaluated 2026-04-08.

Conditions:
Achondrogenesis, type IA (ACG1A). Identifiers: Orphanet 932, Orphanet 93299, MedGen C0265273, MONDO:0008701, OMIM 200600.

Submissions (2):

GeneDx
Classification: Pathogenic. Last evaluated: 2026-04-08. Review status: criteria provided, single submitter. Criteria: GeneDx Variant Classification Process June 2021. Collection method: clinical testing. Allele origin: germline.
Comment: Frameshift variant predicted to result in protein truncation or nonsense mediated decay in a gene for which loss of function is a known mechanism of disease; Not observed at significant frequency in large population cohorts (gnomAD); Has not been previously published as pathogenic or benign to our knowledge

Labcorp Genetics (formerly Invitae), Labcorp
Classification: Pathogenic for Achondrogenesis, type IA. Last evaluated: 2022-06-30. Review status: criteria provided, single submitter. Criteria: Invitae Variant Classification Sherloc (09022015). Collection method: clinical testing. Allele origin: germline.
Comment: This sequence change creates a premature translational stop signal (p.Thr293Asnfs*20) in the TRIP11 gene. It is expected to result in an absent or disrupted protein product. Loss-of-function variants in TRIP11 are known to be pathogenic (PMID: 20089971, 23956106). This variant is not present in population databases (gnomAD no frequency). This variant has not been reported in the literature in individuals affected with TRIP11-related conditions. For these reasons, this variant has been classified as Pathogenic.

Literature cited by the submitters: PubMed 20089971 (cited by Labcorp Genetics (formerly Invitae), Labcorp); PubMed 23956106 (cited by Labcorp Genetics (formerly Invitae), Labcorp).

NM_004239.4(TRIP11):c.877dup (p.Thr293fs)

Gene: TRIP11 (thyroid hormone receptor interactor 11; minus strand). Cytogenetic location: 14q32.12.
Variant type: Duplication.
Coding change: c.877dup on transcript NM_004239.4 (MANE Select); coding-DNA position 877, one base duplicated (A; older notation c.877dupA).
Protein change: p.Thr293fs; shifts the reading frame from threonine 293.
Molecular consequence: frameshift variant.
Genome position (GRCh38, 1-based): chr14:92,014,524, T duplicated on the plus strand (A on the coding strand, the reverse complement: TRIP11 is on the minus strand); the first of 6 consecutive T bases (chr14:92,014,524-92,014,529); duplicating any one gives the same sequence. VCF-style (leftmost placement, unchanged base first): chr14-92014523-G-GT. GRCh37 (hg19) VCF-style: chr14-92480867-G-GT.
Other names: c.874dup, p.Thr292fs (NM_001321851.1); c.877dup (NM_004239.3); short protein forms T292fs, T293fs.
Identifiers: ClinVar variation 2416088 (VCV002416088.7), dbSNP rs1425769432, ClinGen allele CA709925636.